The following is an entry in ClinVar:

NM_001114753.3(ENG):c.-46C>T

Gene: ENG (endoglin; minus strand). Cytogenetic location: 9q34.11.
Variant type: single nucleotide variant.
Coding change: c.-46C>T on transcript NM_001114753.3 (MANE Select); 46 bases upstream of the start codon, C replaced by T.
Molecular consequence: 5 prime UTR variant.
Genome position (GRCh38, 1-based): chr9:127,854,401, G>A on the plus strand (C>T on the coding strand, the complement: ENG is on the minus strand). VCF-style: chr9-127854401-G-A. GRCh37 (hg19) VCF-style: chr9-130616680-G-A.
Other names: c.-46C>T (NM_000118.4, NM_001406715.1).
Identifiers: ClinVar variation 3672370 (VCV003672370.2).

ClinVar aggregate classification (germline): Uncertain significance (1 of 4 stars; one submission).

Conditions:
Hereditary hemorrhagic telangiectasia (HHT). Also called: ORW DISEASE; Osler Weber Rendu syndrome; OSLER-RENDU-WEBER DISEASE; Osler hemorrhagic telangiectasia syndrome. Identifiers: Orphanet 774, MedGen C0039445, MONDO:0019180. Disease mechanism: loss of function.

Submission:

Labcorp Genetics (formerly Invitae), Labcorp
Classification: Uncertain significance for Hereditary hemorrhagic telangiectasia. Last evaluated: 2024-05-01. Review status: criteria provided, single submitter. Criteria: Invitae Variant Classification Sherloc (09022015). Collection method: clinical testing. Allele origin: germline.
Comment: This variant occurs in a non-coding region of the ENG gene. It does not change the encoded amino acid sequence of the ENG protein. This variant is not present in population databases (gnomAD no frequency). This variant has not been reported in the literature in individuals affected with ENG-related conditions. In summary, the available evidence is currently insufficient to determine the role of this variant in disease. Therefore, it has been classified as a Variant of Uncertain Significance.